The following is an entry in ClinVar:

NM_018896.5(CACNA1G):c.-17C>T

Genes: CACNA1G (calcium voltage-gated channel subunit alpha1 G; plus strand), CACNA1G-AS1 (CACNA1G antisense RNA 1; minus strand). Cytogenetic location: 17q21.33.
Variant type: single nucleotide variant.
Coding change: c.-17C>T on transcript NM_018896.5 (MANE Select); 17 bases upstream of the start codon, C replaced by T.
Molecular consequence: 5 prime UTR variant. On other transcripts: non-coding transcript variant (5).
Genome position (GRCh38, 1-based): chr17:50,561,443, C>T. VCF-style: chr17-50561443-C-T. GRCh37 (hg19) VCF-style: chr17-48638804-C-T.
Other names: c.-17C>T (NM_001256324.2, NM_001256325.2, NM_001256326.2 and 24 more transcripts).
Identifiers: ClinVar variation 4526130 (VCV004526130.1).

ClinVar aggregate classification (germline): Uncertain significance (1 of 4 stars; one submission).

gnomAD v4.1: 9 of 1,533,424 alleles (0.00059%); highest among the groups gnomAD compares: Non-Finnish European, 0.00079%; no homozygotes.

Submission:

Women's Health and Genetics/Laboratory Corporation of America, LabCorp
Classification: Uncertain significance. Last evaluated: 2025-07-29. Review status: criteria provided, single submitter. Criteria: LabCorp Variant Classification Summary - May 2015. Collection method: clinical testing. Allele origin: germline.
Comment: Variant summary: CACNA1G c.-17C>T is located in the untranslated mRNA region upstream of the initiation codon. The variant was absent in 131442 control chromosomes. The available data on variant occurrences in the general population are insufficient to allow any conclusion about variant significance. To our knowledge, no occurrence of c.-17C>T in individuals affected with Spinocerebellar Ataxia Type 42 and no experimental evidence demonstrating its impact on protein function have been reported. No submitters have cited clinical-significance assessments for this variant to ClinVar. Based on the evidence outlined above, the variant was classified as uncertain significance.